The following is an entry in ClinVar:

NM_015046.7(SETX):c.2502A>G (p.Gly834=)

Gene: SETX (senataxin; minus strand). Cytogenetic location: 9q34.13.
Variant type: single nucleotide variant.
Coding change: c.2502A>G on transcript NM_015046.7 (MANE Select); coding-DNA position 2502, A replaced by G.
Protein change: p.Gly834=; no amino-acid change (glycine 834 retained).
Molecular consequence: synonymous variant.
Genome position (GRCh38, 1-based): chr9:132,329,096, T>C on the plus strand (A>G on the coding strand, the complement: SETX is on the minus strand). VCF-style: chr9-132329096-T-C. GRCh37 (hg19) VCF-style: chr9-135204483-T-C.
Other names: c.2502A>G, p.Gly834= (NM_001351527.2, NM_001351528.2).
Identifiers: ClinVar variation 547056 (VCV000547056.58), dbSNP rs762818441, ClinGen allele CA5297582.
Genomic context (GRCh38, chr9:132,329,096, plus strand): 5'-TCCATTCTTATCATCCAGAACACCACTAGGGTCTAAAGAAAGATTGTGTATGAAACCATC[T>C]CCTTTCTGAACTCCTGTATCTTTCCTTGAATAGAAACTCTCAATGTTAGATACAGTCAAA-3'
Protein context (NP_055861.3, residues 824-844): YSRKDTGVQK[Gly834=]DGFIHNLSLD

ClinVar aggregate classification (germline): Conflicting classifications of pathogenicity. Review status: criteria provided, conflicting classifications (1 of 4 stars). 7 submissions from 7 submitters: Uncertain significance (1); Benign (1); Likely benign (3). 2 of the submissions do not count toward it. Last evaluated 2025-09-19.

Conditions:
Inborn genetic diseases. Identifiers: MedGen C0950123, MeSH D030342.
Hereditary spastic paraplegia. Also called: Familial spastic paraparesis. Identifiers: Orphanet 685, MedGen C0037773, MONDO:0019064. Disease mechanism: loss of function.
Spinocerebellar ataxia, autosomal recessive, with axonal neuropathy 2 (SCAN2). Also called: Ataxia-ocular apraxia-2; Ataxia with Oculomotor Apraxia; Ataxia with Oculomotor Apraxia Type 2; ATAXIA-OCULOMOTOR APRAXIA 2. Identifiers: Orphanet 64753, MedGen C1853761, MONDO:0018996, OMIM 606002.
Amyotrophic lateral sclerosis type 4 (ALS4). Also called: AMYOTROPHIC LATERAL SCLEROSIS 4, JUVENILE; NEURONOPATHY, DISTAL HEREDITARY MOTOR, WITH PYRAMIDAL FEATURES. Identifiers: Orphanet 357043, MedGen C1865409, MONDO:0011223, OMIM 602433.

Allele frequency attached by ClinVar (database versions not stated): gnomAD exomes 0.00008 and 0.00007; ExAC 0.00010; gnomAD 0.00004; TOPMed 0.00004.
gnomAD v4.1: 116 of 1,610,172 alleles (0.0072%); highest among the groups gnomAD compares: Non-Finnish European, 0.0096%; no homozygotes.

Submissions (7):

Labcorp Genetics (formerly Invitae), Labcorp
Classification: Likely benign for Amyotrophic lateral sclerosis type 4; Spinocerebellar ataxia, autosomal recessive, with axonal neuropathy 2. Last evaluated: 2025-09-19. Review status: criteria provided, single submitter. Criteria: Invitae Variant Classification Sherloc (09022015). Collection method: clinical testing. Allele origin: germline.

Athena Diagnostics
Classification: Benign. Last evaluated: 2025-02-20. Review status: criteria provided, single submitter. Criteria: Athena Diagnostics Criteria. Collection method: clinical testing. Allele origin: unknown.
Comment: The frequency of this variant in the general population is higher than would generally be expected for pathogenic variants in this gene. Computational tools yielded predictions that this variant is unlikely to have an effect on normal RNA splicing. This nucleotide position exhibits low evolutionary conservation.

CeGaT Center for Human Genetics Tuebingen
Classification: Likely benign. Last evaluated: 2022-07-01. Review status: criteria provided, single submitter. Criteria: CeGaT Center For Human Genetics Tuebingen Variant Classification Criteria Version 2. Collection method: clinical testing. Allele origin: germline. Affected: yes. Observed: 2 variant alleles.
Comment: SETX: BP4, BP7

Genome Diagnostics Laboratory, The Hospital for Sick Children
Classification: Uncertain significance for Hereditary spastic paraplegia. Last evaluated: 2020-03-01. Review status: criteria provided, single submitter. Criteria: ACMG Guidelines, 2015. Collection method: clinical testing. Allele origin: germline. Affected: yes.

Ambry Genetics
Classification: Likely benign for Inborn genetic diseases. Last evaluated: 2019-07-11. Review status: criteria provided, single submitter. Criteria: Ambry Variant Classification Scheme 2023. Collection method: clinical testing. Allele origin: germline.

Clinical Genetics DNA and cytogenetics Diagnostics Lab, Erasmus MC, Erasmus Medical Center
Classification: Likely benign. Review status: no assertion criteria provided. Collection method: clinical testing. Allele origin: germline. Affected: yes. Study: VKGL Data-share Consensus. Not counted in ClinVar's aggregate classification.

Clinical Genetics, Academic Medical Center
Classification: Likely benign. Review status: no assertion criteria provided. Collection method: clinical testing. Allele origin: germline. Affected: yes. Study: VKGL Data-share Consensus. Not counted in ClinVar's aggregate classification.